The following is an entry in ClinVar:

NM_014975.3(MAST1):c.4063G>C (p.Val1355Leu)

Gene: MAST1 (microtubule associated serine/threonine kinase 1; plus strand). Cytogenetic location: 19p13.13.
Variant type: single nucleotide variant.
Coding change: c.4063G>C on transcript NM_014975.3 (MANE Select); coding-DNA position 4063, G replaced by C.
Protein change: p.Val1355Leu; replaces valine 1355 with leucine.
Molecular consequence: missense variant.
Genome position (GRCh38, 1-based): chr19:12,874,220, G>C. VCF-style: chr19-12874220-G-C. GRCh37 (hg19) VCF-style: chr19-12985034-G-C.
Other names: short protein forms V1355L.
Identifiers: ClinVar variation 2755411 (VCV002755411.3), dbSNP rs372234355, ClinGen allele CA305495804.

ClinVar aggregate classification (germline): Uncertain significance (1 of 4 stars; one submission).

Allele frequency attached by ClinVar (database versions not stated): 1000 Genomes Project 30x 0.00016; 1000 Genomes Project 0.00040.
gnomAD v4.1: 10 of 1,547,558 alleles (0.00065%); highest among the groups gnomAD compares: East Asian, 0.015%; no homozygotes.

Submission:

Labcorp Genetics (formerly Invitae), Labcorp
Classification: Uncertain significance. Last evaluated: 2022-12-08. Review status: criteria provided, single submitter. Criteria: Invitae Variant Classification Sherloc (09022015). Collection method: clinical testing. Allele origin: germline.
Comment: In summary, the available evidence is currently insufficient to determine the role of this variant in disease. Therefore, it has been classified as a Variant of Uncertain Significance. Algorithms developed to predict the effect of missense changes on protein structure and function (SIFT, PolyPhen-2, Align-GVGD) all suggest that this variant is likely to be tolerated. This variant has not been reported in the literature in individuals affected with MAST1-related conditions. This variant is present in population databases (rs372234355, gnomAD 0.01%). This sequence change replaces valine, which is neutral and non-polar, with leucine, which is neutral and non-polar, at codon 1355 of the MAST1 protein (p.Val1355Leu).